The following is an entry in ClinVar:

NM_001040716.2(PC):c.265G>A (p.Gly89Ser)

Gene: PC (pyruvate carboxylase; minus strand). Cytogenetic location: 11q13.2.
Variant type: single nucleotide variant.
Coding change: c.265G>A on transcript NM_001040716.2 (MANE Select); coding-DNA position 265, G replaced by A.
Protein change: p.Gly89Ser; replaces glycine 89 with serine.
Molecular consequence: missense variant.
Genome position (GRCh38, 1-based): chr11:66,871,743, C>T on the plus strand (G>A on the coding strand, the complement: PC is on the minus strand). VCF-style: chr11-66871743-C-T. GRCh37 (hg19) VCF-style: chr11-66639214-C-T.
Other names: c.265G>A, p.Gly89Ser (NM_000920.4, NM_022172.3); short protein forms G89S.
Identifiers: ClinVar variation 3702636 (VCV003702636.2).

ClinVar aggregate classification (germline): Uncertain significance (1 of 4 stars; one submission).

Conditions:
Pyruvate carboxylase deficiency. Also called: Pyruvate Carboxylase Deficiency Disease; ATAXIA WITH LACTIC ACIDOSIS II; LEIGH NECROTIZING ENCEPHALOPATHY DUE TO PYRUVATE CARBOXYLASE DEFICIENCY; LEIGH SYNDROME DUE TO PYRUVATE CARBOXYLASE DEFICIENCY; PC DEFICIENCY. Identifiers: Orphanet 3008, MedGen C0034341, MONDO:0009949, OMIM 266150.

gnomAD v4.1: 20 of 1,583,390 alleles (0.0013%); highest among the groups gnomAD compares: East Asian, 0.021%; no homozygotes.

Submission:

Labcorp Genetics (formerly Invitae), Labcorp
Classification: Uncertain significance for Pyruvate carboxylase deficiency. Last evaluated: 2024-12-07. Review status: criteria provided, single submitter. Criteria: Invitae Variant Classification Sherloc (09022015). Collection method: clinical testing. Allele origin: germline.
Comment: This sequence change replaces glycine, which is neutral and non-polar, with serine, which is neutral and polar, at codon 89 of the PC protein (p.Gly89Ser). This variant is present in population databases (rs751038272, gnomAD 0.02%). This variant has not been reported in the literature in individuals affected with PC-related conditions. Invitae Evidence Modeling of protein sequence and biophysical properties (such as structural, functional, and spatial information, amino acid conservation, physicochemical variation, residue mobility, and thermodynamic stability) has been performed for this missense variant. However, the output from this modeling did not meet the statistical confidence thresholds required to predict the impact of this variant on PC protein function. In summary, the available evidence is currently insufficient to determine the role of this variant in disease. Therefore, it has been classified as a Variant of Uncertain Significance.